The following is an entry in ClinVar:

ClinVar aggregate classification (germline): Conflicting classifications of pathogenicity. Review status: criteria provided, conflicting classifications (1 of 4 stars). 3 submissions from 3 submitters: Uncertain significance (1); Likely benign (2). Last evaluated 2025-09-11.

Conditions:
Dilated cardiomyopathy 1KK (CMD1KK). Identifiers: Orphanet 154, Orphanet 75249, MedGen C3714995, MONDO:0014100, OMIM 615248.

Allele frequency attached by ClinVar (database versions not stated): TOPMed below 0.00001; ExAC 0.00001; gnomAD 0.00001; gnomAD exomes 0.00002.
gnomAD v4.1: 29 of 1,613,598 alleles (0.0018%); highest among the groups gnomAD compares: Non-Finnish European, 0.0025%; no homozygotes.

Submissions (3):

Labcorp Genetics (formerly Invitae), Labcorp
Classification: Likely benign for Dilated cardiomyopathy 1KK. Last evaluated: 2025-09-11. Review status: criteria provided, single submitter. Criteria: Invitae Variant Classification Sherloc (09022015). Collection method: clinical testing. Allele origin: germline.

Blueprint Genetics
Classification: Likely benign. Last evaluated: 2023-10-27. Review status: criteria provided, single submitter. Criteria: ACMG Guidelines, 2015. Collection method: clinical testing. Allele origin: germline.

Centre of Medical Genetics, University Hospital Muenster
Classification: Uncertain significance. Last evaluated: 2023-01-09. Review status: criteria provided, single submitter. Criteria: ACMG Guidelines, 2015. Collection method: clinical testing. Allele origin: unknown. Affected: yes. Observed: 1 variant allele, 1 heterozygote.
Comment: ACMG categories: PM2

NM_032578.4(MYPN):c.1973+17A>G

Gene: MYPN (myopalladin; plus strand). Cytogenetic location: 10q21.3.
Variant type: single nucleotide variant.
Coding change: c.1973+17A>G on transcript NM_032578.4 (MANE Select); 17 bases into the intron after coding-DNA position 1973, A replaced by G.
Molecular consequence: intron variant.
Genome position (GRCh38, 1-based): chr10:68,166,683, A>G. VCF-style: chr10-68166683-A-G. GRCh37 (hg19) VCF-style: chr10-69926440-A-G.
Other names: c.1973+17A>G (NM_001256267.2); c.1091+17A>G (NM_001256268.2).
Identifiers: ClinVar variation 2430295 (VCV002430295.5), dbSNP rs778574912, ClinGen allele CA5522699.
Genomic context (GRCh38, chr10:68,166,683, plus strand): 5'-TCCCCCGTGAAAGAGCCCCCTCCAGTTCTGGCCAAACCCAAACTGTAAGTAAAAAGTAGG[A>G]TGAATAACCAGGAGCTTCTGTGATCTTTTCTTGAATCTGATCTCCTTAAAAGTAATGGAA-3'